The following is an entry in ClinVar:

NM_138694.4(PKHD1):c.1187G>A (p.Ser396Asn)

Gene: PKHD1 (PKHD1 ciliary IPT domain containing fibrocystin/polyductin; minus strand). Cytogenetic location: 6p12.2.
Variant type: single nucleotide variant.
Coding change: c.1187G>A on transcript NM_138694.4 (MANE Select); coding-DNA position 1187, G replaced by A.
Protein change: p.Ser396Asn; replaces serine 396 with asparagine.
Molecular consequence: missense variant.
Genome position (GRCh38, 1-based): chr6:52,059,974, C>T on the plus strand (G>A on the coding strand, the complement: PKHD1 is on the minus strand). VCF-style: chr6-52059974-C-T. GRCh37 (hg19) VCF-style: chr6-51924772-C-T.
Other names: c.1187G>A, p.Ser396Asn (NM_170724.3); c.1187G>A (NM_138694.3); short protein forms S396N.
Identifiers: ClinVar variation 1576103 (VCV001576103.11), dbSNP rs772507975, ClinGen allele CA3853627.
Genomic context (GRCh38, chr6:52,059,974, plus strand): 5'-AAGACAGTGAATACCTTAGTCCTTGGTTCCTCTGACCAACTGAAATGCAAGGAAGCTTGG[C>T]TATCTGCCTGAATCCAGAAAGTGTAATTATTTGTCTCTGGAGCCACAAAGAACCCACTGA-3'
Protein context (NP_619639.3, residues 386-406): NNYTFWIQAD[Ser396Asn]QASLHFSWSE

ClinVar aggregate classification (germline): Conflicting classifications of pathogenicity. Review status: criteria provided, conflicting classifications (1 of 4 stars). 4 submissions from 4 submitters: Uncertain significance (3); Likely benign (1). Last evaluated 2025-12-26.

Conditions:
Polycystic kidney disease 4 (PKD4). Also called: Autosomal Recessive Polycystic Kidney Disease – PKHD1; POLYCYSTIC KIDNEY AND HEPATIC DISEASE 1; POLYCYSTIC KIDNEY DISEASE, INFANTILE, TYPE I; POLYCYSTIC KIDNEY DISEASE 4 WITH OR WITHOUT POLYCYSTIC LIVER DISEASE; PKD3. Identifiers: MedGen C4540575, MONDO:0033004, OMIM 263200.
Inborn genetic diseases. Identifiers: MedGen C0950123, MeSH D030342.
Autosomal recessive polycystic kidney disease (ARPKD). Also called: AR polycystic kidney disease. Identifiers: Orphanet 731, Orphanet 8378, MedGen C0085548, MeSH D017044, MONDO:0009889.
PKHD1-related disorder. Also called: PKHD1-related condition.

Allele frequency attached by ClinVar (database versions not stated): gnomAD 0.00001; gnomAD exomes 0.00002 and 0.00005; ExAC 0.00003; TOPMed 0.00003.
gnomAD v4.1: 31 of 1,608,680 alleles (0.0019%); highest among the groups gnomAD compares: East Asian, 0.067%; no homozygotes.

Submissions (4):

Labcorp Genetics (formerly Invitae), Labcorp
Classification: Likely benign for Autosomal recessive polycystic kidney disease. Last evaluated: 2025-12-26. Review status: criteria provided, single submitter. Criteria: Invitae Variant Classification Sherloc (09022015). Collection method: clinical testing. Allele origin: germline.

Fulgent Genetics
Classification: Uncertain significance for Polycystic kidney disease 4. Last evaluated: 2024-06-04. Review status: criteria provided, single submitter. Criteria: ACMG Guidelines, 2015. Collection method: clinical testing. Allele origin: germline.

Ambry Genetics
Classification: Uncertain significance for Inborn genetic diseases. Last evaluated: 2023-10-13. Review status: criteria provided, single submitter. Criteria: Ambry Variant Classification Scheme 2023. Collection method: clinical testing. Allele origin: germline.

PreventionGenetics, part of Exact Sciences
Classification: Uncertain significance for PKHD1-related condition. Last evaluated: 2023-03-23. Review status: criteria provided, single submitter. Criteria: ACMG Guidelines, 2015. Collection method: clinical testing. Allele origin: germline.
Comment: The PKHD1 c.1187G>A variant is predicted to result in the amino acid substitution p.Ser396Asn. To our knowledge, this variant has not been reported in the literature. This variant is reported in 0.071% of alleles in individuals of East Asian descent in gnomAD. At this time, the clinical significance of this variant is uncertain due to the absence of conclusive functional and genetic evidence.